The following is an entry in ClinVar:

NM_002972.4(SBF1):c.1877G>A (p.Arg626His)

Gene: SBF1 (SET binding factor 1; minus strand). Cytogenetic location: 22q13.33.
Variant type: single nucleotide variant.
Coding change: c.1877G>A on transcript NM_002972.4 (MANE Select); coding-DNA position 1877, G replaced by A.
Protein change: p.Arg626His; replaces arginine 626 with histidine.
Molecular consequence: missense variant.
Genome position (GRCh38, 1-based): chr22:50,463,305, C>T on the plus strand (G>A on the coding strand, the complement: SBF1 is on the minus strand). VCF-style: chr22-50463305-C-T. GRCh37 (hg19) VCF-style: chr22-50901734-C-T.
Other names: c.1880G>A, p.Arg627His (NM_001365819.1, NM_001410794.1); c.1877G>A, p.Arg626His (NM_001410795.1, NM_197971.1); short protein forms R626H, R627H.
Identifiers: ClinVar variation 1954525 (VCV001954525.5), dbSNP rs761531550, ClinGen allele CA10317500.

ClinVar aggregate classification (germline): Uncertain significance (1 of 4 stars; one submission).

Allele frequency attached by ClinVar (database versions not stated): gnomAD exomes 0.00001; ExAC 0.00002.
gnomAD v4.1: 9 of 1,613,528 alleles (0.00056%); highest among the groups gnomAD compares: East Asian, 0.0022%; no homozygotes.

Submission:

Labcorp Genetics (formerly Invitae), Labcorp
Classification: Uncertain significance. Last evaluated: 2024-11-02. Review status: criteria provided, single submitter. Criteria: Invitae Variant Classification Sherloc (09022015). Collection method: clinical testing. Allele origin: germline.
Comment: This sequence change replaces arginine, which is basic and polar, with histidine, which is basic and polar, at codon 626 of the SBF1 protein (p.Arg626His). This variant is present in population databases (rs761531550, gnomAD 0.003%). This variant has not been reported in the literature in individuals affected with SBF1-related conditions. ClinVar contains an entry for this variant (Variation ID: 1954525). Invitae Evidence Modeling of protein sequence and biophysical properties (such as structural, functional, and spatial information, amino acid conservation, physicochemical variation, residue mobility, and thermodynamic stability) indicates that this missense variant is expected to disrupt SBF1 protein function with a positive predictive value of 80%. In summary, the available evidence is currently insufficient to determine the role of this variant in disease. Therefore, it has been classified as a Variant of Uncertain Significance.